The following is an entry in ClinVar:

NM_003998.4(NFKB1):c.1297C>T (p.His433Tyr)

Gene: NFKB1 (nuclear factor kappa B subunit 1; plus strand). Cytogenetic location: 4q24.
Variant type: single nucleotide variant.
Coding change: c.1297C>T on transcript NM_003998.4 (MANE Select); coding-DNA position 1297, C replaced by T.
Protein change: p.His433Tyr; replaces histidine 433 with tyrosine.
Molecular consequence: missense variant.
Genome position (GRCh38, 1-based): chr4:102,594,978, C>T. VCF-style: chr4-102594978-C-T. GRCh37 (hg19) VCF-style: chr4-103516135-C-T.
Other names: c.1294C>T, p.His432Tyr (NM_001165412.2, NM_001319226.2, NM_001382627.1); c.1297C>T, p.His433Tyr (NM_001382625.1, NM_001382626.1); c.1255C>T, p.His419Tyr (NM_001382628.1); short protein forms H419Y, H433Y, H432Y.
Identifiers: ClinVar variation 4732957 (VCV004732957.1).

ClinVar aggregate classification (germline): Uncertain significance (1 of 4 stars; one submission).

Submission:

Labcorp Genetics (formerly Invitae), Labcorp
Classification: Uncertain significance. Last evaluated: 2025-12-10. Review status: criteria provided, single submitter. Criteria: Invitae Variant Classification Sherloc (09022015). Collection method: clinical testing. Allele origin: germline.
Comment: This sequence change replaces histidine, which is basic and polar, with tyrosine, which is neutral and polar, at codon 433 of the NFKB1 protein (p.His433Tyr). This variant is not present in population databases (gnomAD no frequency). This variant has not been reported in the literature in individuals affected with NFKB1-related conditions. An algorithm developed to predict the effect of missense changes on protein structure and function (PolyPhen-2) suggests that this variant is likely to be disruptive. In summary, the available evidence is currently insufficient to determine the role of this variant in disease. Therefore, it has been classified as a Variant of Uncertain Significance.